The following is an entry in ClinVar:

NM_000260.4(MYO7A):c.253del (p.Leu85fs)

Gene: MYO7A (myosin VIIA; plus strand). Cytogenetic location: 11q13.5.
Variant type: Deletion.
Coding change: c.253del on transcript NM_000260.4 (MANE Select); coding-DNA position 253, one base deleted (C; older notation c.253delC).
Protein change: p.Leu85fs; shifts the reading frame from leucine 85.
Molecular consequence: frameshift variant.
Genome position (GRCh38, 1-based): chr11:77,147,918, C deleted; the last of 2 consecutive C bases (chr11:77,147,917-77,147,918); deleting either gives the same sequence. VCF-style (leftmost placement, unchanged base first): chr11-77147916-AC-A. GRCh37 (hg19) VCF-style: chr11-76858962-AC-A.
Other names: c.253del, p.Leu85fs (NM_001127180.2); c.220del, p.Leu74fs (NM_001369365.1); short protein forms L74fs, L85fs.
Identifiers: ClinVar variation 5012539 (VCV005012539.1).

ClinVar aggregate classification (germline): Pathogenic (1 of 4 stars; one submission).

Conditions:
Usher syndrome type 1 (USH1). Also called: RETINITIS PIGMENTOSA AND CONGENITAL DEAFNESS. Identifiers: Orphanet 231169, Orphanet 886, MedGen C1568247, MONDO:0010168, OMIM 276900.

Submission:

Myriad Genetics, Inc.
Classification: Pathogenic for Usher syndrome type 1. Last evaluated: 2023-12-04. Review status: criteria provided, single submitter. Criteria: Myriad Autosomal Dominant, Autosomal Recessive and X-Linked Classification Criteria (2023). Collection method: clinical testing. Allele origin: unknown.
Comment: NM_000260.3(MYO7A):c.253delC(L85Cfs*21) is expected to be pathogenic in the context of MYO7A-related disorders. This variant is predicted to lead to an abnormal or absent protein product due to the creation of a premature termination codon in MYO7A, a gene where loss-of-function variants are known to be pathogenic. Please note: this variant was assessed in the context of healthy population screening.